The following is an entry in ClinVar:

ClinVar aggregate classification (germline): Uncertain significance (1 of 4 stars; one submission).

Conditions:
Progressive familial heart block type IB (PFHB1B). Identifiers: Orphanet 871, MedGen C1970298, MONDO:0011474, OMIM 604559.

Submission:

Labcorp Genetics (formerly Invitae), Labcorp
Classification: Uncertain significance for Progressive familial heart block type IB. Last evaluated: 2025-07-09. Review status: criteria provided, single submitter. Criteria: Invitae Variant Classification Sherloc (09022015). Collection method: clinical testing. Allele origin: germline.
Comment: This sequence change creates a premature translational stop signal (p.Asp542Thrfs*28) in the TRPM4 gene. It is expected to result in an absent or disrupted protein product. However, the current clinical and genetic evidence is not sufficient to establish whether loss-of-function variants in TRPM4 cause disease. This variant is not present in population databases (gnomAD no frequency). This variant has not been reported in the literature in individuals affected with TRPM4-related conditions. In summary, the available evidence is currently insufficient to determine the role of this variant in disease. Therefore, it has been classified as a Variant of Uncertain Significance.

NM_017636.4(TRPM4):c.1624del (p.Asp542fs)

Gene: TRPM4 (transient receptor potential cation channel subfamily M member 4; plus strand). Cytogenetic location: 19q13.33.
Variant type: Deletion.
Coding change: c.1624del on transcript NM_017636.4 (MANE Select); coding-DNA position 1624, one base deleted (G; older notation c.1624delG).
Protein change: p.Asp542fs; shifts the reading frame from aspartic acid 542.
Molecular consequence: frameshift variant.
Genome position (GRCh38, 1-based): chr19:49,183,093, G deleted; the last of 2 consecutive G bases (chr19:49,183,092-49,183,093); deleting either gives the same sequence. VCF-style (leftmost placement, unchanged base first): chr19-49183091-CG-C. GRCh37 (hg19) VCF-style: chr19-49686348-CG-C.
Other names: c.1624del, p.Asp542fs (NM_001195227.2); c.1279del, p.Asp427fs (NM_001321281.2); c.16del, p.Asp6fs (NM_001321282.2); c.1102del, p.Asp368fs (NM_001321283.2); c.562del, p.Asp188fs (NM_001321285.2); short protein forms D542fs, D427fs, D188fs, D368fs, D6fs.
Identifiers: ClinVar variation 4736666 (VCV004736666.1).